The following is an entry in ClinVar:

NM_001199107.2(TBC1D24):c.691G>A (p.Val231Ile)

Gene: TBC1D24 (TBC1 domain family member 24; plus strand). Cytogenetic location: 16p13.3.
Variant type: single nucleotide variant.
Coding change: c.691G>A on transcript NM_001199107.2 (MANE Select); coding-DNA position 691, G replaced by A.
Protein change: p.Val231Ile; replaces valine 231 with isoleucine.
Molecular consequence: missense variant.
Genome position (GRCh38, 1-based): chr16:2,496,839, G>A. VCF-style: chr16-2496839-G-A. GRCh37 (hg19) VCF-style: chr16-2546840-G-A.
Other names: c.691G>A, p.Val231Ile (NM_020705.3); short protein forms V231I.
Identifiers: ClinVar variation 1423259 (VCV001423259.6), dbSNP rs370614433, ClinGen allele CA7844048.

ClinVar aggregate classification (germline): Uncertain significance (1 of 4 stars; one submission).

Conditions:
Developmental and epileptic encephalopathy, 1 (DEE1). Also called: X-linked infantile spasms; West's syndrome; Tonic spasms with clustering, arrest of psychomotor development and hypsarrhythmia on EEG; X-Linked Infantile Spasm Syndrome; OHTAHARA SYNDROME, X-LINKED; INFANTILE SPASM SYNDROME, X-LINKED 1. Identifiers: MedGen C3463992, MONDO:0010632, OMIM 308350. Disease mechanism: loss of function.
Autosomal dominant nonsyndromic hearing loss 65. Also called: TBC1D24-Related Autosomal Dominant Nonsyndromic Hearing Loss (DFNA); Deafness, autosomal dominant 65. Identifiers: Orphanet 90635, MedGen C3892048, MONDO:0014470, OMIM 616044.

Allele frequency attached by ClinVar (database versions not stated): gnomAD exomes 0.00001 and below 0.00001; gnomAD 0.00003 and 0.00001; 1000 Genomes Project 0.00020; ExAC 0.00002; ESP Exome Variant Server 0.00008; 1000 Genomes Project 30x 0.00016; TOPMed below 0.00001.
gnomAD v4.1: 9 of 1,614,092 alleles (0.00056%); highest among the groups gnomAD compares: Admixed American, 0.0033%; no homozygotes.

Submission:

Labcorp Genetics (formerly Invitae), Labcorp
Classification: Uncertain significance for Developmental and epileptic encephalopathy, 1; Autosomal dominant nonsyndromic hearing loss 65. Last evaluated: 2023-11-09. Review status: criteria provided, single submitter. Criteria: Invitae Variant Classification Sherloc (09022015). Collection method: clinical testing. Allele origin: germline.
Comment: This sequence change replaces valine, which is neutral and non-polar, with isoleucine, which is neutral and non-polar, at codon 231 of the TBC1D24 protein (p.Val231Ile). This variant is present in population databases (rs370614433, gnomAD 0.006%). This variant has not been reported in the literature in individuals affected with TBC1D24-related conditions. ClinVar contains an entry for this variant (Variation ID: 1423259). Advanced modeling of protein sequence and biophysical properties (such as structural, functional, and spatial information, amino acid conservation, physicochemical variation, residue mobility, and thermodynamic stability) performed at Invitae indicates that this missense variant is not expected to disrupt TBC1D24 protein function with a negative predictive value of 80%. In summary, the available evidence is currently insufficient to determine the role of this variant in disease. Therefore, it has been classified as a Variant of Uncertain Significance.